The following is an entry in ClinVar:

ClinVar aggregate classification (germline): Uncertain significance (1 of 4 stars; one submission).

Conditions:
TERT-related disorder. Also called: TERT-related condition; TERT-related disorders.

Submission:

PreventionGenetics, part of Exact Sciences
Classification: Uncertain significance for TERT-related condition. Last evaluated: 2026-07-05. Review status: criteria provided, single submitter. Criteria: ACMG Guidelines, 2015. Collection method: clinical testing. Allele origin: germline.
Comment: The TERT c.1597G>C variant is predicted to result in the amino acid substitution p.Glu533Gln. To our knowledge, this variant has not been reported in the literature or in a large population database (gnomAD), indicating this variant is rare. At this time, the clinical significance of this variant is uncertain due to the absence of conclusive functional and genetic evidence.

NM_198253.3(TERT):c.1597G>C (p.Glu533Gln)

Gene: TERT (telomerase reverse transcriptase; minus strand). Cytogenetic location: 5p15.33.
Variant type: single nucleotide variant.
Coding change: c.1597G>C on transcript NM_198253.3 (MANE Select); coding-DNA position 1597, G replaced by C.
Protein change: p.Glu533Gln; replaces glutamic acid 533 with glutamine.
Molecular consequence: missense variant. On other transcripts: non-coding transcript variant (2).
Genome position (GRCh38, 1-based): chr5:1,282,601, C>G on the plus strand (G>C on the coding strand, the complement: TERT is on the minus strand). VCF-style: chr5-1282601-C-G. GRCh37 (hg19) VCF-style: chr5-1282716-C-G.
Other names: c.1597G>C, p.Glu533Gln (NM_001193376.3); short protein forms E533Q.
Identifiers: ClinVar variation 4994758 (VCV004994758.1).